The following is an entry in ClinVar:

NM_001127649.3(PEX26):c.443del (p.Pro148fs)

Gene: PEX26 (peroxisomal biogenesis factor 26; plus strand). Cytogenetic location: 22q11.21.
Variant type: Deletion.
Coding change: c.443del on transcript NM_001127649.3 (MANE Select); coding-DNA position 443, one base deleted (C; older notation c.443delC).
Protein change: p.Pro148fs; shifts the reading frame from proline 148.
Molecular consequence: frameshift variant.
Genome position (GRCh38, 1-based): chr22:18,083,508, C deleted; the last of 3 consecutive C bases (chr22:18,083,506-18,083,508); deleting any one gives the same sequence. VCF-style (leftmost placement, unchanged base first): chr22-18083505-AC-A. GRCh37 (hg19) VCF-style: chr22-18566271-AC-A.
Other names: c.443del, p.Pro148fs (NM_001199319.2, NM_017929.6); short protein forms P148fs.
Identifiers: ClinVar variation 2006097 (VCV002006097.4), dbSNP rs1926705172, ClinGen allele CA2395405080.

ClinVar aggregate classification (germline): Pathogenic (1 of 4 stars; one submission).

Conditions:
Peroxisome biogenesis disorder 7A (Zellweger). Also called: Peroxisome biogenesis disorder 7A. Identifiers: Orphanet 912, MedGen C3888385, MONDO:0013938, OMIM 614872.
Peroxisome biogenesis disorder 7B (PBD7B). Identifiers: Orphanet 44, MedGen C3553951, MONDO:0013939, OMIM 614873.

Submission:

Labcorp Genetics (formerly Invitae), Labcorp
Classification: Pathogenic for Peroxisome biogenesis disorder 7A (Zellweger); Peroxisome biogenesis disorder 7B. Last evaluated: 2022-06-14. Review status: criteria provided, single submitter. Criteria: Invitae Variant Classification Sherloc (09022015). Collection method: clinical testing. Allele origin: germline.
Comment: For these reasons, this variant has been classified as Pathogenic. This variant has not been reported in the literature in individuals affected with PEX26-related conditions. This variant is not present in population databases (gnomAD no frequency). This sequence change creates a premature translational stop signal (p.Pro148Glnfs*33) in the PEX26 gene. It is expected to result in an absent or disrupted protein product. Loss-of-function variants in PEX26 are known to be pathogenic (PMID: 12851857, 21031596).

Literature cited by the submitters: PubMed 12851857; PubMed 21031596.